The following is an entry in ClinVar:

NM_000051.4(ATM):c.6696G>C (p.Glu2232Asp)

Genes: ATM (ATM serine/threonine kinase; plus strand), C11orf65 (chromosome 11 open reading frame 65; minus strand). Cytogenetic location: 11q22.3.
Variant type: single nucleotide variant.
Coding change: c.6696G>C on transcript NM_000051.4 (MANE Select); coding-DNA position 6696, G replaced by C.
Protein change: p.Glu2232Asp; replaces glutamic acid 2232 with aspartic acid.
Molecular consequence: missense variant. On other transcripts: intron variant (2).
Genome position (GRCh38, 1-based): chr11:108,325,433, G>C. VCF-style: chr11-108325433-G-C. GRCh37 (hg19) VCF-style: chr11-108196160-G-C.
Other names: c.6696G>C, p.Glu2232Asp (NM_001351834.2); c.641-16362C>G (NM_001330368.2); c.*38+9787C>G (NM_001351110.2); short protein forms E2232D.
Identifiers: ClinVar variation 826555 (VCV000826555.6), dbSNP rs1591129223, ClinGen allele CA382554915.

ClinVar aggregate classification (germline): Uncertain significance (1 of 4 stars; one submission).

Conditions:
Hereditary cancer-predisposing syndrome. Also called: Tumor predisposition; Neoplastic Syndromes, Hereditary; Hereditary Cancer Syndrome; Hereditary neoplastic syndrome. Identifiers: Orphanet 140162, MedGen C0027672, MeSH D009386, MONDO:0015356.

Allele frequency attached by ClinVar (database versions not stated): gnomAD exomes below 0.00001.
gnomAD v4.1: 1 of 1,613,574 alleles (0.000062%); highest among the groups gnomAD compares: African/African-American, 0.0013%; no homozygotes.

Submission:

Ambry Genetics
Classification: Uncertain significance for Hereditary cancer-predisposing syndrome. Last evaluated: 2019-09-24. Review status: criteria provided, single submitter. Criteria: Ambry Variant Classification Scheme 2023. Collection method: clinical testing. Allele origin: germline.
Comment: The p.E2232D variant (also known as c.6696G>C), located in coding exon 45 of the ATM gene, results from a G to C substitution at nucleotide position 6696. The glutamic acid at codon 2232 is replaced by aspartic acid, an amino acid with highly similar properties. This amino acid position is well conserved in available vertebrate species. In addition, this alteration is predicted to be tolerated by in silico analysis. Since supporting evidence is limited at this time, the clinical significance of this alteration remains unclear.